The following is an entry in ClinVar:

NM_001080512.3(BICC1):c.2533+1del

Gene: BICC1 (BicC family RNA binding protein 1; plus strand). Cytogenetic location: 10q21.1.
Variant type: Deletion.
Coding change: c.2533+1del on transcript NM_001080512.3 (MANE Select); the canonical splice donor site of the intron after coding-DNA position 2533, one base deleted (G; older notation c.2533+1delG).
Molecular consequence: splice donor variant.
Genome position (GRCh38, 1-based): chr10:58,813,987, G deleted. VCF-style (leftmost placement, unchanged base first): chr10-58813986-AG-A. GRCh37 (hg19) VCF-style: chr10-60573746-AG-A.
Identifiers: ClinVar variation 5041862 (VCV005041862.1).

ClinVar aggregate classification (germline): Uncertain significance (1 of 4 stars; one submission).

Submission:

CeGaT Center for Human Genetics Tuebingen
Classification: Uncertain significance. Last evaluated: 2026-09-01. Review status: criteria provided, single submitter. Criteria: CeGaT Center For Human Genetics Tuebingen Variant Classification Criteria Version 2. Collection method: clinical testing. Allele origin: germline. Affected: yes. Observed: 1 variant allele.
Comment: BICC1: PM2, PVS1:Moderate